The following is an entry in ClinVar:

ClinVar aggregate classification (germline): Uncertain significance (0 of 4 stars; one submission).

Conditions:
COL1A2-related disorder. Also called: COL1A2-related condition; COL1A2-Related Disorders.

Allele frequency attached by ClinVar (database versions not stated): gnomAD exomes below 0.00001; TOPMed below 0.00001.
gnomAD v4.1: 1 of 1,613,998 alleles (0.000062%); highest among the groups gnomAD compares: Non-Finnish European, 0.000085%; no homozygotes.

Submission:

PreventionGenetics, part of Exact Sciences
Classification: Uncertain significance for COL1A2-related condition. Last evaluated: 2024-01-31. Review status: no assertion criteria provided. Collection method: clinical testing. Allele origin: germline.
Comment: The COL1A2 c.3998C>T variant is predicted to result in the amino acid substitution p.Thr1333Ile. To our knowledge, this variant has not been reported in the literature or in a large population database, indicating this variant is rare. An alternate substitution of the same amino acid (p.Thr1333Ala) has been reported in a study of individuals with short stature and skeletal abnormalities (Chen et al. 2022. PubMed ID: 35250876). At this time, the clinical significance of this variant is uncertain due to the absence of conclusive functional and genetic evidence.

NM_000089.4(COL1A2):c.3998C>T (p.Thr1333Ile)

Gene: COL1A2 (collagen type I alpha 2 chain; plus strand). Cytogenetic location: 7q21.3.
Variant type: single nucleotide variant.
Coding change: c.3998C>T on transcript NM_000089.4 (MANE Select); coding-DNA position 3998, C replaced by T.
Protein change: p.Thr1333Ile; replaces threonine 1333 with isoleucine.
Molecular consequence: missense variant.
Genome position (GRCh38, 1-based): chr7:94,430,290, C>T. VCF-style: chr7-94430290-C-T. GRCh37 (hg19) VCF-style: chr7-94059602-C-T.
Other names: short protein forms T1333I.
Identifiers: ClinVar variation 3036963 (VCV003036963.2), dbSNP rs1792371596, ClinGen allele CA368227230.
Genomic context (GRCh38, chr7:94,430,290, plus strand): 5'-TTCTTCTCTTTAAACAGAAAAAGACAAATGAATGGGGAAAGACAATCATTGAATACAAAA[C>T]AAATAAGCCATCACGCCTGCCCTTCCTTGATATTGCACCTTTGGACATCGGTGGTGCTGA-3'
Protein context (NP_000080.2, residues 1323-1343): EWGKTIIEYK[Thr1333Ile]NKPSRLPFLD